The following is an entry in ClinVar:

ClinVar aggregate classification (germline): Conflicting classifications of pathogenicity. Review status: criteria provided, conflicting classifications (1 of 4 stars). 5 submissions from 5 submitters: Likely pathogenic (1); Uncertain significance (4). Last evaluated 2026-04-09.

Conditions:
Cardiovascular phenotype. Identifiers: MedGen CN230736.
Cardiomyopathy (CMYO). Also called: Cardiomyopathies. Identifiers: Orphanet 167848, MedGen C0878544, MONDO:0004994, HP:0001638. Inheritance: Various modes of inheritance.
MYH7-related disorder. Also called: MYH7-related condition; MYH7-related disease; MYH7-related disorders.
Hypertrophic cardiomyopathy. Also called: HYPERTROPHIC MYOCARDIOPATHY. Identifiers: Orphanet 217569, MedGen C0007194, MeSH D002312, MONDO:0005045, HP:0001639.

Allele frequency attached by ClinVar (database versions not stated): gnomAD exomes below 0.00001 and 0.00001; ExAC 0.00001; TOPMed 0.00001.
gnomAD v4.1: 8 of 1,613,684 alleles (0.0005%); highest among the groups gnomAD compares: Non-Finnish European, 0.00059%; no homozygotes.

Submissions (5):

PreventionGenetics, part of Exact Sciences
Classification: Uncertain significance for MYH7-related condition. Last evaluated: 2026-04-09. Review status: criteria provided, single submitter. Criteria: ACMG Guidelines, 2015. Collection method: clinical testing. Allele origin: germline.
Comment: The MYH7 c.2162+1G>A variant is predicted to disrupt the GT donor site and interfere with normal splicing. To our knowledge, this variant has not been reported in the literature. This variant is reported in 0.0062% of alleles in individuals of African descent in gnomAD. Loss-of-function variants in MYH7 are currently not an established mechanism of disease. Although we suspect that this variant may be pathogenic, at this time, the clinical significance of this variant is uncertain due to the absence of conclusive functional and genetic evidence.

Ambry Genetics
Classification: Uncertain significance for Cardiovascular phenotype. Last evaluated: 2025-09-12. Review status: criteria provided, single submitter. Criteria: Ambry Variant Classification Scheme 2023. Collection method: clinical testing. Allele origin: germline.
Comment: The c.2162+1G>A intronic variant results from a G to A substitution one nucleotide after coding exon 17 of the MYH7 gene. This nucleotide position is highly conserved in available vertebrate species. In silico splice site analysis predicts that this alteration will weaken the native splice donor site and will result in the creation or strengthening of a novel splice donor site. Alterations that disrupt the canonical splice site are expected to cause aberrant splicing, resulting in an abnormal protein or a transcript that is subject to nonsense-mediated mRNA decay. However, loss of function has not been established as a mechanism of disease. Based on the available evidence, the clinical significance of this alteration remains unclear.

All of Us Research Program, National Institutes of Health
Classification: Uncertain significance for Cardiomyopathy. Last evaluated: 2024-05-14. Review status: criteria provided, single submitter. Criteria: ACMG Guidelines, 2015. Collection method: clinical testing. Allele origin: germline. Inheritance: Autosomal dominant inheritance. Observed: 1 variant allele, 1 heterozygote.
Comment: This variant causes a G to A nucleotide substitution at the canonical +1 position of intron 19 of the MYH7 gene. Splice prediction tools suggest that this variant may disrupt RNA splicing. To our knowledge, RNA studies have not been reported for this variant. This variant has not been reported in individuals affected with cardiovascular disorders in the literature. This variant has been identified in 1/251460 chromosomes in the general population by the Genome Aggregation Database (gnomAD). The role of loss-of-function MYH7 truncation and splice variants in autosomal dominant cardiovascular disorders is not clearly established. The available evidence is insufficient to determine the role of this variant in disease conclusively. Therefore, this variant is classified as a Variant of Uncertain Significance.

This study involves interpretation of variants in research participants for the purpose of population health screening. Participant phenotype was not available at the time of variant classification. Additional details can be found in publication PMID: 35346344, PMCID: PMC8962531

Labcorp Genetics (formerly Invitae), Labcorp
Classification: Uncertain significance for Hypertrophic cardiomyopathy. Last evaluated: 2022-10-17. Review status: criteria provided, single submitter. Criteria: Invitae Variant Classification Sherloc (09022015). Collection method: clinical testing. Allele origin: germline.
Comment: This sequence change affects a donor splice site in intron 19 of the MYH7 gene. It is expected to disrupt RNA splicing. Variants that disrupt the donor or acceptor splice site typically lead to a loss of protein function (PMID: 16199547), however the current clinical and genetic evidence is not sufficient to establish whether loss-of-function variants in MYH7 cause disease. This variant is present in population databases (rs752554104, gnomAD 0.007%). This variant has not been reported in the literature in individuals affected with MYH7-related conditions. ClinVar contains an entry for this variant (Variation ID: 648918). Algorithms developed to predict the effect of sequence changes on RNA splicing suggest that this variant may disrupt the consensus splice site. In summary, the available evidence is currently insufficient to determine the role of this variant in disease. Therefore, it has been classified as a Variant of Uncertain Significance.

Laboratory for Molecular Medicine, Mass General Brigham Personalized Medicine
Classification: Likely pathogenic for Cardiomyopathy. Last evaluated: 2019-09-20. Review status: criteria provided, single submitter. Criteria: ACMG Guidelines, 2015. Collection method: clinical testing. Allele origin: germline. Inheritance: Autosomal recessive inheritance.
Comment: The c.2162+1G>A variant in MYH7 has not been previously reported in individuals with cardiomyopathy but has been identified in 1/16256 African chromosomes by gnomAD. This variant occurs within the canonical splice site (+/- 1,2) and is predicted to cause altered splicing leading to an abnormal or absent protein. Although heterozygous loss-of-function (LOF) variants in MYH7, such as this variant, are not believed to be pathogenic for dominant forms of cardiomyopathy, there is evidence that can they lead to severe and early onset disease when present in trans with a second MYH7 variant (LMM data). In summary, although additional studies are required to fully establish its clinical significance, this variant meets criteria to be classified as likely pathogenic for autosomal recessive cardiomyopathy. ACMG/AMP Criteria applied: PVS1, PM2.

Literature cited by the submitters: PubMed 16199547 (cited by Labcorp Genetics (formerly Invitae), Labcorp).

NM_000257.4(MYH7):c.2162+1G>A

Gene: MYH7 (myosin heavy chain 7; minus strand). Cytogenetic location: 14q11.2.
Variant type: single nucleotide variant.
Coding change: c.2162+1G>A on transcript NM_000257.4 (MANE Select); the canonical splice donor site of the intron after coding-DNA position 2162, G replaced by A.
Molecular consequence: splice donor variant.
Genome position (GRCh38, 1-based): chr14:23,425,963, C>T on the plus strand (G>A on the coding strand, the complement: MYH7 is on the minus strand). VCF-style: chr14-23425963-C-T. GRCh37 (hg19) VCF-style: chr14-23895172-C-T.
Other names: c.2162+1G>A (NM_001407004.1).
Identifiers: ClinVar variation 648918 (VCV000648918.12), dbSNP rs752554104, ClinGen allele CA031360.